The following is an entry in ClinVar:

NM_000238.4(KCNH2):c.246C>G (p.Ile82Met)

Gene: KCNH2 (potassium voltage-gated channel subfamily H member 2; minus strand). Cytogenetic location: 7q36.1.
Variant type: single nucleotide variant.
Coding change: c.246C>G on transcript NM_000238.4 (MANE Select); coding-DNA position 246, C replaced by G.
Protein change: p.Ile82Met; replaces isoleucine 82 with methionine.
Molecular consequence: missense variant. On other transcripts: non-coding transcript variant (1).
Genome position (GRCh38, 1-based): chr7:150,974,772, G>C on the plus strand (C>G on the coding strand, the complement: KCNH2 is on the minus strand). VCF-style: chr7-150974772-G-C. GRCh37 (hg19) VCF-style: chr7-150671860-G-C.
Other names: c.69C>G, p.Ile23Met (NM_001406755.1); c.246C>G, p.Ile82Met (NM_172056.3); short protein forms I23M, I82M.
Identifiers: ClinVar variation 2894783 (VCV002894783.3), dbSNP rs974990528, ClinGen allele CA169090305.

ClinVar aggregate classification (germline): Uncertain significance (1 of 4 stars; one submission).

Conditions:
Long QT syndrome (LQTS). Identifiers: MedGen C0023976, MeSH D008133, MONDO:0002442. Disease mechanism: loss of function. Inheritance: Various modes of inheritance.

Allele frequency attached by ClinVar (database versions not stated): gnomAD 0.00001.

Submission:

Labcorp Genetics (formerly Invitae), Labcorp
Classification: Uncertain significance for Long QT syndrome. Last evaluated: 2025-02-02. Review status: criteria provided, single submitter. Criteria: Invitae Variant Classification Sherloc (09022015). Collection method: clinical testing. Allele origin: germline.
Comment: This sequence change replaces isoleucine, which is neutral and non-polar, with methionine, which is neutral and non-polar, at codon 82 of the KCNH2 protein (p.Ile82Met). This variant is not present in population databases (gnomAD no frequency). This variant has not been reported in the literature in individuals affected with KCNH2-related conditions. ClinVar contains an entry for this variant (Variation ID: 2894783). An algorithm developed to predict the effect of missense changes on protein structure and function (PolyPhen-2) suggests that this variant is likely to be tolerated. In summary, the available evidence is currently insufficient to determine the role of this variant in disease. Therefore, it has been classified as a Variant of Uncertain Significance.